The following is an entry in ClinVar:

ClinVar aggregate classification (germline): Uncertain significance (1 of 4 stars; one submission).

Conditions:
Gorlin syndrome. Also called: Nevoid Basal Cell Carcinoma Syndrome; Basal cell nevus syndrome. Identifiers: Orphanet 377, MedGen C0004779, MONDO:0007187.

Submission:

Labcorp Genetics (formerly Invitae), Labcorp
Classification: Uncertain significance for Gorlin syndrome. Last evaluated: 2022-03-09. Review status: criteria provided, single submitter. Criteria: Invitae Variant Classification Sherloc (09022015). Collection method: clinical testing. Allele origin: germline.
Comment: In summary, the available evidence is currently insufficient to determine the role of this variant in disease. Therefore, it has been classified as a Variant of Uncertain Significance. Algorithms developed to predict the effect of missense changes on protein structure and function are either unavailable or do not agree on the potential impact of this missense change (SIFT: "Tolerated"; PolyPhen-2: "Probably Damaging"; Align-GVGD: "Class C0"). This variant has not been reported in the literature in individuals affected with PTCH1-related conditions. This variant is not present in population databases (gnomAD no frequency). This sequence change replaces proline, which is neutral and non-polar, with alanine, which is neutral and non-polar, at codon 261 of the PTCH1 protein (p.Pro261Ala).

NM_000264.5(PTCH1):c.781C>G (p.Pro261Ala)

Gene: PTCH1 (patched 1; minus strand). Cytogenetic location: 9q22.32.
Variant type: single nucleotide variant.
Coding change: c.781C>G on transcript NM_000264.5 (MANE Select); coding-DNA position 781, C replaced by G.
Protein change: p.Pro261Ala; replaces proline 261 with alanine.
Molecular consequence: missense variant. On other transcripts: non-coding transcript variant (1).
Genome position (GRCh38, 1-based): chr9:95,480,554, G>C on the plus strand (C>G on the coding strand, the complement: PTCH1 is on the minus strand). VCF-style: chr9-95480554-G-C. GRCh37 (hg19) VCF-style: chr9-98242836-G-C.
Other names: c.583C>G, p.Pro195Ala (NM_001083602.3); c.778C>G, p.Pro260Ala (NM_001083603.3); c.328C>G, p.Pro110Ala (NM_001083604.3, NM_001083605.3, NM_001083606.3 and 1 more transcripts); c.781C>G, p.Pro261Ala (NM_001354918.2); short protein forms P110A, P195A, P260A, P261A.
Identifiers: ClinVar variation 2428240 (VCV002428240.9), dbSNP rs2118426722, ClinGen allele CA374114432.
Genomic context (GRCh38, chr9:95,480,554, plus strand): 5'-TTTCCTCCCAGCTGTCCACTTGATAGTTTATTTTCTTTAACTCTTCCAGGAATTCCAAAG[G>C]GTCGAAGTTTGTCCACCGCAAAGGAGGTTTACCTCTGCAAAAGAAATTAGGAGACGAGAC-3'
Protein context (NP_000255.2, residues 251-271): KPPLRWTNFD[Pro261Ala]LEFLEELKKI